The following is an entry in ClinVar:

ClinVar aggregate classification (germline): Uncertain significance. Review status: criteria provided, multiple submitters, no conflicts (2 of 4 stars). 2 submissions from 2 submitters: Uncertain significance (2). Last evaluated 2026-04-10.

Conditions:
Inborn genetic diseases. Identifiers: MedGen C0950123, MeSH D030342.
Early-infantile DEE. Also called: Ohtahara syndrome; Early infantile epileptic encephalopathy; Early infantile epileptic encephalopathy with suppression bursts. Identifiers: Orphanet 1934, MedGen C0393706, MONDO:0800491.

Submissions (2):

Ambry Genetics
Classification: Uncertain significance for Inborn genetic diseases. Last evaluated: 2026-04-10. Review status: criteria provided, single submitter. Criteria: Ambry Variant Classification Scheme 2023. Collection method: clinical testing. Allele origin: germline.
Comment: The c.981T>A (p.S327R) alteration is located in exon 8 (coding exon 7) of the SCN8A gene. This alteration results from a T to A substitution at nucleotide position 981, causing the serine (S) at amino acid position 327 to be replaced by an arginine (R). This variant was not reported in population-based cohorts in the Genome Aggregation Database (gnomAD). This amino acid position is well conserved in available vertebrate species. This missense variant is located in a region that has a low rate of benign missense variation (Lek, 2016; Firth, 2009). This alteration is predicted to be deleterious by in silico analysis. Based on insufficient or conflicting evidence, the clinical significance of this alteration remains unclear.

Labcorp Genetics (formerly Invitae), Labcorp
Classification: Uncertain significance for Early-infantile DEE. Last evaluated: 2021-04-28. Review status: criteria provided, single submitter. Criteria: Invitae Variant Classification Sherloc (09022015). Collection method: clinical testing. Allele origin: germline.
Comment: This sequence change replaces serine with arginine at codon 327 of the SCN8A protein (p.Ser327Arg). The serine residue is highly conserved and there is a moderate physicochemical difference between serine and arginine. This variant is not present in population databases (ExAC no frequency). This variant has not been reported in the literature in individuals with SCN8A-related conditions. Algorithms developed to predict the effect of missense changes on protein structure and function are either unavailable or do not agree on the potential impact of this missense change (SIFT: "Deleterious"; PolyPhen-2: "Possibly Damaging"; Align-GVGD: "Class C0"). In summary, the available evidence is currently insufficient to determine the role of this variant in disease. Therefore, it has been classified as a Variant of Uncertain Significance.

NM_001330260.2(SCN8A):c.981T>A (p.Ser327Arg)

Gene: SCN8A (sodium voltage-gated channel alpha subunit 8; plus strand). Cytogenetic location: 12q13.13.
Variant type: single nucleotide variant.
Coding change: c.981T>A on transcript NM_001330260.2 (MANE Select); coding-DNA position 981, T replaced by A.
Protein change: p.Ser327Arg; replaces serine 327 with arginine.
Molecular consequence: missense variant.
Genome position (GRCh38, 1-based): chr12:51,701,196, T>A. VCF-style: chr12-51701196-T-A. GRCh37 (hg19) VCF-style: chr12-52094980-T-A.
Other names: c.981T>A (NM_014191.2); c.981T>A, p.Ser327Arg (NM_001177984.3, NM_001369788.1, NM_014191.4); short protein forms S327R.
Identifiers: ClinVar variation 1413940 (VCV001413940.10), dbSNP rs2138739076, ClinGen allele CA385226985.